The following is an entry in ClinVar:

NM_000075.4(CDK4):c.801G>A (p.Ser267=)

Genes: CDK4 (cyclin dependent kinase 4; minus strand), TSPAN31 (tetraspanin 31; plus strand). Cytogenetic location: 12q14.1.
Variant type: single nucleotide variant.
Coding change: c.801G>A on transcript NM_000075.4 (MANE Select); coding-DNA position 801, G replaced by A.
Protein change: p.Ser267=; no amino-acid change (serine 267 retained).
Molecular consequence: synonymous variant. On other transcripts: 3 prime UTR variant (3).
Genome position (GRCh38, 1-based): chr12:57,749,200, C>T on the plus strand (G>A on the coding strand, the complement: CDK4 is on the minus strand). VCF-style: chr12-57749200-C-T. GRCh37 (hg19) VCF-style: chr12-58142983-C-T.
Other names: c.*1910C>T (NM_001330168.2, NM_001330169.2, NM_005981.5).
Identifiers: ClinVar variation 463479 (VCV000463479.19), dbSNP rs201744062, ClinGen allele CA6657683.
Genomic context (GRCh38, chr12:57,749,200, plus strand): 5'-AGTCTCTATTTCTTTCCCTGTGCCCACAGCCATCTCCAGTACCAGCAGCAGCTGTGCTCC[C>T]GACTCCTCCATCTCAGGTACCACCGACTGCACTGGGCGGGGCCCTCTGGGGGGAAAGGCT-3'
Protein context (NP_000066.1, residues 257-277): VQSVVPEMEE[Ser267=]GAQLLLEMLT

ClinVar aggregate classification (germline): Benign/Likely benign. Review status: criteria provided, multiple submitters, no conflicts (2 of 4 stars). 6 submissions from 6 submitters: Benign (1); Likely benign (5). Last evaluated 2026-03-24.

Conditions:
CDK4-related disorder. Also called: CDK4-related condition.
Hereditary cancer-predisposing syndrome. Also called: Tumor predisposition; Hereditary neoplastic syndrome; Neoplastic Syndromes, Hereditary; Hereditary Cancer Syndrome. Identifiers: Orphanet 140162, MedGen C0027672, MeSH D009386, MONDO:0015356.
Familial melanoma. Also called: Hereditary melanoma; Hereditary cutaneous melanoma. Identifiers: Orphanet 618, MedGen C1512419, MONDO:0018961.
Melanoma, cutaneous malignant, susceptibility to, 3. Also called: Cutaneous malignant melanoma 3. Identifiers: Orphanet 618, MedGen C1836892, MONDO:0012183, OMIM 609048.

Allele frequency attached by ClinVar (database versions not stated): TOPMed below 0.00001; gnomAD 0.00001; 1000 Genomes Project 30x 0.00016.
gnomAD v4.1: 30 of 1,614,052 alleles (0.0019%); highest among the groups gnomAD compares: South Asian, 0.0033%; no homozygotes.

Submissions (6):

PreventionGenetics, part of Exact Sciences
Classification: Likely benign for CDK4-related condition. Last evaluated: 2026-03-24. Review status: criteria provided, single submitter. Criteria: ACMG Guidelines, 2015. Collection method: clinical testing. Allele origin: germline.
Comment: This variant is classified as likely benign based on ACMG/AMP sequence variant interpretation guidelines (Richards et al. 2015 PMID: 25741868, with internal and published modifications).

Quest Diagnostics Nichols Institute San Juan Capistrano
Classification: Likely benign. Last evaluated: 2025-09-17. Review status: criteria provided, single submitter. Criteria: Quest Diagnostics criteria. Collection method: clinical testing. Allele origin: unknown.

Labcorp Genetics (formerly Invitae), Labcorp
Classification: Likely benign for Familial melanoma. Last evaluated: 2025-09-14. Review status: criteria provided, single submitter. Criteria: Invitae Variant Classification Sherloc (09022015). Collection method: clinical testing. Allele origin: germline.

Myriad Genetics, Inc.
Classification: Benign for Melanoma, cutaneous malignant, susceptibility to, 3. Last evaluated: 2024-09-26. Review status: criteria provided, single submitter. Criteria: Myriad Autosomal Dominant, Autosomal Recessive and X-Linked Classification Criteria (2023). Collection method: clinical testing. Allele origin: unknown.
Comment: This variant is considered benign. This variant is a silent/synonymous amino acid change and it is not expected to impact splicing.

Women's Health and Genetics/Laboratory Corporation of America, LabCorp
Classification: Likely benign. Last evaluated: 2022-10-27. Review status: criteria provided, single submitter. Criteria: LabCorp Variant Classification Summary - May 2015. Collection method: clinical testing. Allele origin: germline.

Ambry Genetics
Classification: Likely benign for Hereditary cancer-predisposing syndrome. Last evaluated: 2018-01-23. Review status: criteria provided, single submitter. Criteria: Ambry Variant Classification Scheme 2023. Collection method: clinical testing. Allele origin: germline.